The following is an entry in ClinVar:

NM_000553.6(WRN):c.3257C>G (p.Thr1086Ser)

Gene: WRN (WRN RecQ like helicase; plus strand). Cytogenetic location: 8p12.
Variant type: single nucleotide variant.
Coding change: c.3257C>G on transcript NM_000553.6 (MANE Select); coding-DNA position 3257, C replaced by G.
Protein change: p.Thr1086Ser; replaces threonine 1086 with serine.
Molecular consequence: missense variant.
Genome position (GRCh38, 1-based): chr8:31,142,649, C>G. VCF-style: chr8-31142649-C-G. GRCh37 (hg19) VCF-style: chr8-31000165-C-G.
Other names: short protein forms T1086S.
Identifiers: ClinVar variation 1896097 (VCV001896097.7), dbSNP rs2536033395, ClinGen allele CA370923346.

ClinVar aggregate classification (germline): Uncertain significance. Review status: criteria provided, multiple submitters, no conflicts (2 of 4 stars). 2 submissions from 2 submitters: Uncertain significance (2). Last evaluated 2023-03-13.

Conditions:
Inborn genetic diseases. Identifiers: MedGen C0950123, MeSH D030342.
Werner syndrome (WRN). Identifiers: Orphanet 902, MedGen C0043119, MONDO:0010196, OMIM 277700.

Submissions (2):

Ambry Genetics
Classification: Uncertain significance for Inborn genetic diseases. Last evaluated: 2023-03-13. Review status: criteria provided, single submitter. Criteria: Ambry Variant Classification Scheme 2023. Collection method: clinical testing. Allele origin: germline.

Labcorp Genetics (formerly Invitae), Labcorp
Classification: Uncertain significance for Werner syndrome. Last evaluated: 2022-09-18. Review status: criteria provided, single submitter. Criteria: Invitae Variant Classification Sherloc (09022015). Collection method: clinical testing. Allele origin: germline.
Comment: This sequence change replaces threonine, which is neutral and polar, with serine, which is neutral and polar, at codon 1086 of the WRN protein (p.Thr1086Ser). In summary, the available evidence is currently insufficient to determine the role of this variant in disease. Therefore, it has been classified as a Variant of Uncertain Significance. Algorithms developed to predict the effect of missense changes on protein structure and function output the following: SIFT: "Not Available"; PolyPhen-2: "Benign"; Align-GVGD: "Not Available". The serine amino acid residue is found in multiple mammalian species, which suggests that this missense change does not adversely affect protein function. This variant has not been reported in the literature in individuals affected with WRN-related conditions. This variant is not present in population databases (gnomAD no frequency).